The following is an entry in ClinVar:

NM_001291867.2(NHS):c.2472T>A (p.Cys824Ter)

Gene: NHS (NHS actin remodeling regulator; plus strand). Cytogenetic location: Xp22.13.
Variant type: single nucleotide variant.
Coding change: c.2472T>A on transcript NM_001291867.2 (MANE Select); coding-DNA position 2472, T replaced by A.
Protein change: p.Cys824Ter; replaces cysteine 824 with a stop codon.
Molecular consequence: nonsense.
Genome position (GRCh38, 1-based): chrX:17,726,578, T>A. VCF-style: chrX-17726578-T-A. GRCh37 (hg19) VCF-style: chrX-17744698-T-A.
Other names: c.1941T>A, p.Cys647Ter (NM_001136024.4); c.1878T>A, p.Cys626Ter (NM_001291868.2); c.2409T>A, p.Cys803Ter (NM_198270.4); short protein forms C626*, C647*, C803*, C824*.
Identifiers: ClinVar variation 3731326 (VCV003731326.1).

ClinVar aggregate classification (germline): Likely pathogenic (1 of 4 stars; one submission).

Conditions:
Nance-Horan syndrome (NHS). Identifiers: Orphanet 627, MedGen C0796085, MONDO:0010545, OMIM 302350.

Submission:

Neuberg Centre For Genomic Medicine, NCGM
Classification: Likely pathogenic for Nance-Horan syndrome. Review status: criteria provided, single submitter. Criteria: ACMG Guidelines, 2015. Collection method: clinical testing. Allele origin: germline. Inheritance: X-linked dominant inheritance. Affected: yes.
Comment: The stop gained c.2472T>A (p.Cys824Ter) variant in NHS gene has not been reported previously as a pathogenic variant nor as a benign variant, to our knowledge. The p.Cys824Ter variant is absent in gnomAD Exomes. This variant has not been submitted to the ClinVar database. Computational evidence (MutationTaster - Disease causing) predicts damaging effect on protein structure and function for this variant. The nucleotide change c.2472T>A in NHS is predicted as conserved by GERP++ and PhyloP across 100 vertebrates. This sequence change creates a premature translational stop signal (p.Cys824Ter) in the NHS gene. This variant is predicted to cause loss of normal protein function through protein truncation. Loss of function variants have been previously reported to be pathogenic. However, additional functional studies will be required to prove the pathogenicity of this variant. For these reasons, this variant has been classified as Likely Pathogenic.